The following is an entry in ClinVar:

NM_001378183.1(PIEZO2):c.5743delinsGTGGGAGCCG (p.Met1915delinsValGlyAlaVal)

Gene: PIEZO2 (piezo type mechanosensitive ion channel component 2; minus strand). Cytogenetic location: 18p11.22.
Variant type: Indel.
Coding change: c.5743delinsGTGGGAGCCG on transcript NM_001378183.1 (MANE Select); coding-DNA position 5743, A replaced by GTGGGAGCCG.
Protein change: p.Met1915delinsValGlyAlaVal.
Molecular consequence: inframe indel.
Genome position (GRCh38, 1-based): chr18:10,705,592, T replaced by CGGCTCCCAC on the plus strand (A replaced by GTGGGAGCCG on the coding strand, the reverse complement: PIEZO2 is on the minus strand). VCF-style: chr18-10705592-T-CGGCTCCCAC. GRCh37 (hg19) VCF-style: chr18-10705590-T-CGGCTCCCAC.
Other names: c.5479delinsGTGGGAGCCG, p.Met1827delinsValGlyAlaVal (NM_001410871.1); c.5404delinsGTGGGAGCCG, p.Met1802delinsValGlyAlaVal (NM_022068.4).
Identifiers: ClinVar variation 4070596 (VCV004070596.1).
Genomic context (GRCh38, chr18:10,705,592, plus strand): 5'-CCAAGGTGGAGAACTGTGTCAGCTCTTCCTCTGGGGTGAGGCTGGCCTCCTCGGCACCCA[T>CGGCTCCCAC]GGCTCCCACATCGTACCCAGTGGCCTCGTACTCCTTGGCCTCCCTGGGCTCAGGCGCCGT-3'

ClinVar aggregate classification (germline): Uncertain significance (1 of 4 stars; one submission).

Submission:

GeneDx
Classification: Uncertain significance. Last evaluated: 2025-01-16. Review status: criteria provided, single submitter. Criteria: GeneDx Variant Classification Process June 2021. Collection method: clinical testing. Allele origin: germline. Affected: yes.
Comment: Not observed at significant frequency in large population cohorts (gnomAD); In-frame deletion of 1 amino acid(s) and insertion of 4 different amino acid(s) in a non-repeat region; In silico analysis supports a deleterious effect on protein structure/function; Has not been previously published as pathogenic or benign to our knowledge